The following is an entry in ClinVar:

ClinVar aggregate classification (germline): Likely benign. Review status: criteria provided, multiple submitters, no conflicts (2 of 4 stars). 3 submissions from 3 submitters: Likely benign (3). Last evaluated 2025-05-09.

Conditions:
Tuberous sclerosis syndrome (TSC). Also called: Tuberous Sclerosis Complex; Tuberous sclerosis. Identifiers: Orphanet 805, MedGen C0041341, MONDO:0001734.
Tuberous sclerosis 2 (TSC2). Identifiers: Orphanet 805, MedGen C1860707, MONDO:0013199, OMIM 613254.

Allele frequency attached by ClinVar (database versions not stated): gnomAD 0.00001; gnomAD exomes 0.00002.
gnomAD v4.1: 12 of 1,550,982 alleles (0.00077%); highest among the groups gnomAD compares: East Asian, 0.027%; no homozygotes.

Submissions (3):

Myriad Genetics, Inc.
Classification: Likely benign for Tuberous sclerosis 2. Last evaluated: 2025-05-09. Review status: criteria provided, single submitter. Criteria: Myriad Autosomal Dominant, Autosomal Recessive and X-Linked Classification Criteria (2023). Collection method: clinical testing. Allele origin: unknown.
Comment: This variant is considered likely benign. This variant is intronic and is not expected to impact mRNA splicing.

Labcorp Genetics (formerly Invitae), Labcorp
Classification: Likely benign for Tuberous sclerosis 2. Last evaluated: 2025-05-05. Review status: criteria provided, single submitter. Criteria: Invitae Variant Classification Sherloc (09022015). Collection method: clinical testing. Allele origin: germline.

All of Us Research Program, National Institutes of Health
Classification: Likely benign for Tuberous sclerosis syndrome. Last evaluated: 2024-07-29. Review status: criteria provided, single submitter. Criteria: ACMG Guidelines, 2015. Collection method: clinical testing. Allele origin: germline. Inheritance: Autosomal dominant inheritance. Observed: 1 variant allele, 1 heterozygote.
Comment: This study involves interpretation of variants in research participants for the purpose of population health screening. Participant phenotype was not available at the time of variant classification. Additional details can be found in publication PMID: 35346344, PMCID: PMC8962531

NM_000548.5(TSC2):c.775-14A>G

Gene: TSC2 (TSC complex subunit 2; plus strand). Cytogenetic location: 16p13.3.
Variant type: single nucleotide variant.
Coding change: c.775-14A>G on transcript NM_000548.5 (MANE Select); 14 bases into the intron before coding-DNA position 775, A replaced by G.
Molecular consequence: intron variant.
Genome position (GRCh38, 1-based): chr16:2,057,091, A>G. VCF-style: chr16-2057091-A-G. GRCh37 (hg19) VCF-style: chr16-2107092-A-G.
Other names: c.775-14A>G (NM_001114382.3, NM_021055.3, NM_001370405.1 and 3 more transcripts); c.664-14A>G (NM_001318827.2); c.175-14A>G (NM_001318831.2); c.628-14A>G (NM_001318829.2); c.808-14A>G (NM_001318832.2).
Identifiers: ClinVar variation 1643743 (VCV001643743.10), dbSNP rs969379684, ClinGen allele CA276774928.
Genomic context (GRCh38, chr16:2,057,091, plus strand): 5'-GGGGCCAGCAGCGGGACTGGGGCTGGGGGCAGGGCTTATGCCTGCCAGCCCCTGACACGC[A>G]TTGTGTCTCGCAGCTGATGCGGAACCTCCTTGGCACCCACCTGGGCCACAGCGCCATCTA-3'